The following is an entry in ClinVar:

NM_144687.4(NLRP12):c.355G>A (p.Val119Ile)

Gene: NLRP12 (NLR family pyrin domain containing 12; minus strand). Cytogenetic location: 19q13.42.
Variant type: single nucleotide variant.
Coding change: c.355G>A on transcript NM_144687.4 (MANE Select); coding-DNA position 355, G replaced by A.
Protein change: p.Val119Ile; replaces valine 119 with isoleucine.
Molecular consequence: missense variant.
Genome position (GRCh38, 1-based): chr19:53,814,923, C>T on the plus strand (G>A on the coding strand, the complement: NLRP12 is on the minus strand). VCF-style: chr19-53814923-C-T. GRCh37 (hg19) VCF-style: chr19-54318177-C-T.
Other names: c.355G>A, p.Val119Ile (NM_001277126.2, NM_001277129.1); short protein forms V119I.
Identifiers: ClinVar variation 3344777 (VCV003344777.1).

ClinVar aggregate classification (germline): Uncertain significance (0 of 4 stars; one submission).

Conditions:
NLRP12-related disorder. Also called: NLRP12-related condition; NLRP12-related conditions.

Submission:

PreventionGenetics, part of Exact Sciences
Classification: Uncertain significance for NLRP12-related condition. Last evaluated: 2024-04-17. Review status: no assertion criteria provided. Collection method: clinical testing. Allele origin: germline.
Comment: The NLRP12 c.355G>A variant is predicted to result in the amino acid substitution p.Val119Ile. To our knowledge, this variant has not been reported in the literature or in a large population database, indicating this variant is rare. At this time, the clinical significance of this variant is uncertain due to the absence of conclusive functional and genetic evidence.